The following is an entry in ClinVar:

ClinVar aggregate classification (germline): Uncertain significance (1 of 4 stars; one submission).

Conditions:
PCSK1-related disorder. Also called: PCSK1-related condition.

gnomAD v4.1: 21 of 1,612,250 alleles (0.0013%); highest among the groups gnomAD compares: Non-Finnish European, 0.0018%; no homozygotes.

Submission:

PreventionGenetics, part of Exact Sciences
Classification: Uncertain significance for PCSK1-related condition. Last evaluated: 2025-12-04. Review status: criteria provided, single submitter. Criteria: ACMG Guidelines, 2015. Collection method: clinical testing. Allele origin: germline.
Comment: The PCSK1 c.1634C>G variant is predicted to result in the amino acid substitution p.Pro545Arg. This variant has been observed in a cohort of individuals with obesity, and in vitro functional studies showed inconclusive evidence of loss of function (Supplemental Data Set, Shah et al. 2023. PubMed ID: 36864747). It has not been reported in a large population database (gnomAD), indicating it is rare. At this time, the clinical significance of this variant is uncertain due to the absence of conclusive functional and genetic evidence.

NM_000439.5(PCSK1):c.1634C>G (p.Pro545Arg)

Genes: CAST (calpastatin; plus strand), PCSK1 (proprotein convertase subtilisin/kexin type 1; minus strand), LOC101929710 (uncharacterized LOC101929710; plus strand). Cytogenetic location: 5q15.
Variant type: single nucleotide variant.
Coding change: c.1634C>G on transcript NM_000439.5 (MANE Select); coding-DNA position 1634, C replaced by G.
Protein change: p.Pro545Arg; replaces proline 545 with arginine.
Molecular consequence: missense variant. On other transcripts: intron variant (11).
Genome position (GRCh38, 1-based): chr5:96,397,424, G>C on the plus strand (C>G on the coding strand, the complement: PCSK1 is on the minus strand). VCF-style: chr5-96397424-G-C. GRCh37 (hg19) VCF-style: chr5-95733128-G-C.
Other names: c.-175+17772G>C (NM_001423251.1, NM_001423256.1, NM_001423252.1 and 6 more transcripts); c.-40+17772G>C (NM_001423258.1); c.1493C>G, p.Pro498Arg (NM_001177875.2); c.-103+17772G>C (NM_001423253.1); short protein forms P498R, P545R.
Identifiers: ClinVar variation 4984337 (VCV004984337.1).